The following is an entry in ClinVar:

NM_014915.3(ANKRD26):c.1582G>A (p.Val528Ile)

Gene: ANKRD26 (ankyrin repeat domain 26; minus strand). Cytogenetic location: 10p12.1.
Variant type: single nucleotide variant.
Coding change: c.1582G>A on transcript NM_014915.3 (MANE Select); coding-DNA position 1582, G replaced by A.
Protein change: p.Val528Ile; replaces valine 528 with isoleucine.
Molecular consequence: missense variant.
Genome position (GRCh38, 1-based): chr10:27,053,373, C>T on the plus strand (G>A on the coding strand, the complement: ANKRD26 is on the minus strand). VCF-style: chr10-27053373-C-T. GRCh37 (hg19) VCF-style: chr10-27342302-C-T.
Other names: c.1582G>A, p.Val528Ile (NM_001256053.2); short protein forms V528I.
Identifiers: ClinVar variation 4859381 (VCV004859381.1).

ClinVar aggregate classification (germline): Uncertain significance (1 of 4 stars; one submission).

Conditions:
Inborn genetic diseases. Identifiers: MedGen C0950123, MeSH D030342.

Submission:

Ambry Genetics
Classification: Uncertain significance for Inborn genetic diseases. Last evaluated: 2026-04-19. Review status: criteria provided, single submitter. Criteria: Ambry Variant Classification Scheme 2023. Collection method: clinical testing. Allele origin: germline.
Comment: The p.V528I variant (also known as c.1582G>A), located in coding exon 16 of the ANKRD26 gene, results from a G to A substitution at nucleotide position 1582. The valine at codon 528 is replaced by isoleucine, an amino acid with highly similar properties. This amino acid position is conserved. In addition, this alteration is predicted to be tolerated by in silico analysis. Based on the available evidence, the clinical significance of this variant remains unclear.